The following is an entry in ClinVar:

NM_001018111.3(PODXL):c.1547T>C (p.Met516Thr)

Gene: PODXL (podocalyxin like; minus strand). Cytogenetic location: 7q32.3.
Variant type: single nucleotide variant.
Coding change: c.1547T>C on transcript NM_001018111.3 (MANE Select); coding-DNA position 1547, T replaced by C.
Protein change: p.Met516Thr; replaces methionine 516 with threonine.
Molecular consequence: missense variant.
Genome position (GRCh38, 1-based): chr7:131,504,441, A>G on the plus strand (T>C on the coding strand, the complement: PODXL is on the minus strand). VCF-style: chr7-131504441-A-G. GRCh37 (hg19) VCF-style: chr7-131189200-A-G.
Other names: c.1451T>C, p.Met484Thr (NM_005397.4); short protein forms M484T, M516T.
Identifiers: ClinVar variation 4771535 (VCV004771535.1).

ClinVar aggregate classification (germline): Uncertain significance (1 of 4 stars; one submission).

gnomAD v4.1: 2 of 1,614,138 alleles (0.00012%); highest among the groups gnomAD compares: Non-Finnish European, 0.00017%; no homozygotes.

Submission:

Labcorp Genetics (formerly Invitae), Labcorp
Classification: Uncertain significance. Last evaluated: 2025-07-30. Review status: criteria provided, single submitter. Criteria: Invitae Variant Classification Sherloc (09022015). Collection method: clinical testing. Allele origin: germline.
Comment: This sequence change replaces methionine, which is neutral and non-polar, with threonine, which is neutral and polar, at codon 484 of the PODXL protein (p.Met484Thr). This variant is not present in population databases (gnomAD no frequency). This variant has not been reported in the literature in individuals affected with PODXL-related conditions. An algorithm developed to predict the effect of missense changes on protein structure and function (PolyPhen-2) suggests that this variant is likely to be disruptive. In summary, the available evidence is currently insufficient to determine the role of this variant in disease. Therefore, it has been classified as a Variant of Uncertain Significance.